The following is an entry in ClinVar:

NM_001165963.4(SCN1A):c.2698A>G (p.Ile900Val)

Gene: SCN1A (sodium voltage-gated channel alpha subunit 1; minus strand). Cytogenetic location: 2q24.3.
Variant type: single nucleotide variant.
Coding change: c.2698A>G on transcript NM_001165963.4 (MANE Select); coding-DNA position 2698, A replaced by G.
Protein change: p.Ile900Val; replaces isoleucine 900 with valine.
Molecular consequence: missense variant. On other transcripts: non-coding transcript variant (1).
Genome position (GRCh38, 1-based): chr2:166,038,024, T>C on the plus strand (A>G on the coding strand, the complement: SCN1A is on the minus strand). VCF-style: chr2-166038024-T-C. GRCh37 (hg19) VCF-style: chr2-166894534-T-C.
Other names: c.2614A>G, p.Ile872Val (NM_001165964.3, NM_001353957.2, NM_001353958.2); c.2698A>G, p.Ile900Val (NM_001202435.3, NM_001353948.2); c.2665A>G, p.Ile889Val (NM_001353949.2, NM_001353950.2, NM_001353951.2 and 2 more transcripts); c.2662A>G, p.Ile888Val (NM_001353954.2, NM_001353955.2); c.2611A>G, p.Ile871Val (NM_001353960.2); c.256A>G, p.Ile86Val (NM_001353961.2); short protein forms I871V, I872V, I888V, I900V, I86V, I889V.
Identifiers: ClinVar variation 854039 (VCV000854039.11), dbSNP rs1696655187, ClinGen allele CA349061573.

ClinVar aggregate classification (germline): Uncertain significance (1 of 4 stars; one submission).

Conditions:
Early-infantile DEE. Also called: Ohtahara syndrome; Early infantile epileptic encephalopathy with suppression bursts; Early infantile epileptic encephalopathy. Identifiers: Orphanet 1934, MedGen C0393706, MONDO:0800491.

Submission:

Labcorp Genetics (formerly Invitae), Labcorp
Classification: Uncertain significance for Early-infantile DEE. Last evaluated: 2020-01-28. Review status: criteria provided, single submitter. Criteria: Invitae Variant Classification Sherloc (09022015). Collection method: clinical testing. Allele origin: germline.
Comment: This sequence change replaces isoleucine with valine at codon 900 of the SCN1A protein (p.Ile900Val). The isoleucine residue is highly conserved and there is a small physicochemical difference between isoleucine and valine. In summary, the available evidence is currently insufficient to determine the role of this variant in disease. Therefore, it has been classified as a Variant of Uncertain Significance. Algorithms developed to predict the effect of missense changes on protein structure and function (SIFT, PolyPhen-2, Align-GVGD) all suggest that this variant is likely to be disruptive, but these predictions have not been confirmed by published functional studies and their clinical significance is uncertain. This variant has been observed in one or more individuals who were not affected with SCN1A-related conditions (Invitae). This variant is not present in population databases (ExAC no frequency).